The following is an entry in ClinVar:

ClinVar aggregate classification (germline): Pathogenic (1 of 4 stars; one submission).

Conditions:
Neurofibromatosis, type 1 (NF1). Also called: VON RECKLINGHAUSEN DISEASE; NEUROFIBROMATOSIS, TYPE I, SOMATIC; Peripheral type neurofibromatosis; Neurofibromatosis, type I. Identifiers: Orphanet 636, MedGen C0027831, MONDO:0018975, OMIM 162200. Disease mechanism: loss of function.

Submission:

Myriad Genetics, Inc.
Classification: Pathogenic for Neurofibromatosis, type 1. Last evaluated: 2026-07-27. Review status: criteria provided, single submitter. Criteria: Myriad Autosomal Dominant, Autosomal Recessive and X-Linked Classification Criteria (2023). Collection method: clinical testing. Allele origin: unknown.
Comment: This variant is considered pathogenic. This variant creates a frameshift predicted to result in premature protein truncation.

NM_001042492.3(NF1):c.7781del (p.Arg2594fs)

Gene: NF1 (neurofibromin 1; plus strand). Cytogenetic location: 17q11.2.
Variant type: Deletion.
Coding change: c.7781del on transcript NM_001042492.3 (MANE Select); coding-DNA position 7781, one base deleted (G; older notation c.7781delG).
Protein change: p.Arg2594fs; shifts the reading frame from arginine 2594.
Molecular consequence: frameshift variant.
Genome position (GRCh38, 1-based): chr17:31,357,002, G deleted. VCF-style (leftmost placement, unchanged base first): chr17-31357001-CG-C. GRCh37 (hg19) VCF-style: chr17-29684019-CG-C.
Other names: c.7718del, p.Arg2573fs (NM_000267.4); short protein forms R2573fs, R2594fs.
Identifiers: ClinVar variation 5042223 (VCV005042223.1).